The following is an entry in ClinVar:

NM_001128159.3(VPS53):c.-90C>T

Gene: VPS53 (VPS53 subunit of GARP complex; minus strand). Cytogenetic location: 17p13.3.
Variant type: single nucleotide variant.
Coding change: c.-90C>T on transcript NM_001128159.3 (MANE Select); 90 bases upstream of the start codon, C replaced by T.
Molecular consequence: 5 prime UTR variant.
Genome position (GRCh38, 1-based): chr17:714,799, G>A on the plus strand (C>T on the coding strand, the complement: VPS53 is on the minus strand). VCF-style: chr17-714799-G-A. GRCh37 (hg19) VCF-style: chr17-618039-G-A.
Other names: c.-90C>T (NM_001366253.2, NM_018289.4); c.-782C>T (NM_001366254.2).
Identifiers: ClinVar variation 670268 (VCV000670268.5), dbSNP rs2474694, ClinGen allele CA14392181.

ClinVar aggregate classification (germline): Benign. Review status: criteria provided, multiple submitters, no conflicts (2 of 4 stars). 3 submissions from 3 submitters: Benign (3). Last evaluated 2021-07-14.

Conditions:
Pontocerebellar hypoplasia type 2E. Identifiers: Orphanet 247198, MedGen C4014488, MONDO:0014370, OMIM 615851.

Allele frequency attached by ClinVar (database versions not stated): gnomAD exomes 0.37447; gnomAD 0.44823 and 0.44847; TOPMed 0.45945; 1000 Genomes Project 0.51298; 1000 Genomes Project 30x 0.51608.
gnomAD v4.1: 557,426 of 1,456,482 alleles (38%); highest among the groups gnomAD compares: African/African-American, 63%; 110,914 homozygotes.

Submissions (3):

Genome-Nilou Lab
Classification: Benign for Pontocerebellar hypoplasia type 2E. Last evaluated: 2021-07-14. Review status: criteria provided, single submitter. Criteria: ACMG Guidelines, 2015. Collection method: clinical testing. Allele origin: germline. Affected: no.

GeneDx
Classification: Benign. Last evaluated: 2018-06-19. Review status: criteria provided, single submitter. Criteria: GeneDx Variant Classification (06012015). Collection method: clinical testing. Allele origin: germline. Affected: yes.
Comment: This variant is considered likely benign or benign based on one or more of the following criteria: it is a conservative change, it occurs at a poorly conserved position in the protein, it is predicted to be benign by multiple in silico algorithms, and/or has population frequency not consistent with disease.

Breakthrough Genomics
Classification: Benign. Review status: criteria provided, single submitter. Criteria: ACMG Guidelines, 2015. Collection method: not provided. Allele origin: germline. Inheritance: Autosomal recessive inheritance. Affected: yes.